The following is an entry in ClinVar:

NM_001042492.3(NF1):c.6280del (p.Asp2095fs)

Gene: NF1 (neurofibromin 1; plus strand). Cytogenetic location: 17q11.2.
Variant type: Deletion.
Coding change: c.6280del on transcript NM_001042492.3 (MANE Select); coding-DNA position 6280, one base deleted (C; older notation c.6280delC).
Protein change: p.Asp2095fs; shifts the reading frame from aspartic acid 2095.
Molecular consequence: frameshift variant.
Genome position (GRCh38, 1-based): chr17:31,336,767, C deleted; the last of 3 consecutive C bases (chr17:31,336,765-31,336,767); deleting any one gives the same sequence. VCF-style (leftmost placement, unchanged base first): chr17-31336764-TC-T. GRCh37 (hg19) VCF-style: chr17-29663782-TC-T.
Other names: c.6217del, p.Asp2074fs (NM_000267.4); short protein forms D2095fs, D2074fs.
Identifiers: ClinVar variation 4710364 (VCV004710364.1).
Genomic context (GRCh38, chr17:31,336,764, plus strand): 5'-CTTATGTGGGATGATATTGCTATTTTAGCACGCTACATGCTGATGCTGTCCTTCAACAAT[TC>T]CCTTGATGTGGCAGCTCATCTTCCCTACCTCTTCCACGTTGTTACTTTCTTAGTAGCCAC-3'

ClinVar aggregate classification (germline): Pathogenic (1 of 4 stars; one submission).

Conditions:
Neurofibromatosis, type 1 (NF1). Also called: VON RECKLINGHAUSEN DISEASE; Peripheral type neurofibromatosis; NEUROFIBROMATOSIS, TYPE I, SOMATIC; Neurofibromatosis, type I. Identifiers: Orphanet 636, MedGen C0027831, MONDO:0018975, OMIM 162200. Disease mechanism: loss of function.

Submission:

Labcorp Genetics (formerly Invitae), Labcorp
Classification: Pathogenic for Neurofibromatosis, type 1. Last evaluated: 2025-03-05. Review status: criteria provided, single submitter. Criteria: Invitae Variant Classification Sherloc (09022015). Collection method: clinical testing. Allele origin: germline.
Comment: This sequence change creates a premature translational stop signal (p.Asp2074Metfs*16) in the NF1 gene. It is expected to result in an absent or disrupted protein product. Loss-of-function variants in NF1 are known to be pathogenic (PMID: 10712197, 23913538). This variant is not present in population databases (gnomAD no frequency). This premature translational stop signal has been observed in individual(s) with neurofibromatosis type 1 (PMID: 19142971). This variant is also known as c.6215_6217delC. For these reasons, this variant has been classified as Pathogenic.

Literature cited by the submitters: PubMed 10712197; PubMed 23913538; PubMed 19142971.